The following is an entry in ClinVar:

NM_001098.3(ACO2):c.1685G>A (p.Ser562Asn)

Genes: ACO2 (aconitase 2; plus strand), LOC130067544 (ATAC-STARR-seq lymphoblastoid active region 19118; plus strand). Cytogenetic location: 22q13.2.
Variant type: single nucleotide variant.
Coding change: c.1685G>A on transcript NM_001098.3 (MANE Select); coding-DNA position 1685, G replaced by A.
Protein change: p.Ser562Asn; replaces serine 562 with asparagine.
Molecular consequence: missense variant.
Genome position (GRCh38, 1-based): chr22:41,525,272, G>A. VCF-style: chr22-41525272-G-A. GRCh37 (hg19) VCF-style: chr22-41921276-G-A.
Other names: short protein forms S562N.
Identifiers: ClinVar variation 1496850 (VCV001496850.8), dbSNP rs2146140049, ClinGen allele CA411727719.

ClinVar aggregate classification (germline): Uncertain significance (1 of 4 stars; one submission).

Submission:

Labcorp Genetics (formerly Invitae), Labcorp
Classification: Uncertain significance. Last evaluated: 2024-01-24. Review status: criteria provided, single submitter. Criteria: Invitae Variant Classification Sherloc (09022015). Collection method: clinical testing. Allele origin: germline.
Comment: This sequence change replaces serine, which is neutral and polar, with asparagine, which is neutral and polar, at codon 562 of the ACO2 protein (p.Ser562Asn). This variant is not present in population databases (gnomAD no frequency). This variant has not been reported in the literature in individuals affected with ACO2-related conditions. ClinVar contains an entry for this variant (Variation ID: 1496850). Advanced modeling of protein sequence and biophysical properties (such as structural, functional, and spatial information, amino acid conservation, physicochemical variation, residue mobility, and thermodynamic stability) performed at Invitae indicates that this missense variant is expected to disrupt ACO2 protein function with a positive predictive value of 80%. In summary, the available evidence is currently insufficient to determine the role of this variant in disease. Therefore, it has been classified as a Variant of Uncertain Significance.